The following is an entry in ClinVar:

NM_020706.2(SCAF4):c.980T>C (p.Met327Thr)

Gene: SCAF4 (SR-related CTD associated factor 4; minus strand). Cytogenetic location: 21q22.11.
Variant type: single nucleotide variant.
Coding change: c.980T>C on transcript NM_020706.2 (MANE Select); coding-DNA position 980, T replaced by C.
Protein change: p.Met327Thr; replaces methionine 327 with threonine.
Molecular consequence: missense variant.
Genome position (GRCh38, 1-based): chr21:31,696,201, A>G on the plus strand (T>C on the coding strand, the complement: SCAF4 is on the minus strand). VCF-style: chr21-31696201-A-G. GRCh37 (hg19) VCF-style: chr21-33068514-A-G.
Other names: c.935T>C, p.Met312Thr (NM_001145444.1); c.980T>C, p.Met327Thr (NM_001145445.1); short protein forms M312T, M327T.
Identifiers: ClinVar variation 2855188 (VCV002855188.3), dbSNP rs2516775373, ClinGen allele CA410048529.
Genomic context (GRCh38, chr21:31,696,201, plus strand): 5'-CCCATCATTCGTGGCTGAAACTGATCCATATTTTGATGCTGTGTGTATGCTGGCTGCTGC[A>G]TGCCATCTCCAGGAAAGCCACTAAAAAAAGGTGGATAATCTTTTACCCATTCAAAAGCAC-3'
Protein context (NP_065757.1, residues 317-337): QAPFGFPGDG[Met327Thr]QQPAYTQHQN

ClinVar aggregate classification (germline): Uncertain significance (1 of 4 stars; one submission).

Allele frequency attached by ClinVar (database versions not stated): gnomAD exomes below 0.00001.
gnomAD v4.1: 2 of 1,613,932 alleles (0.00012%); highest among the groups gnomAD compares: South Asian, 0.0022%; no homozygotes.

Submission:

Labcorp Genetics (formerly Invitae), Labcorp
Classification: Uncertain significance. Last evaluated: 2023-04-11. Review status: criteria provided, single submitter. Criteria: Invitae Variant Classification Sherloc (09022015). Collection method: clinical testing. Allele origin: germline.
Comment: In summary, the available evidence is currently insufficient to determine the role of this variant in disease. Therefore, it has been classified as a Variant of Uncertain Significance. An algorithm developed to predict the effect of missense changes on protein structure and function (PolyPhen-2) suggests that this variant is likely to be tolerated. This variant has not been reported in the literature in individuals affected with SCAF4-related conditions. This variant is not present in population databases (gnomAD no frequency). This sequence change replaces methionine, which is neutral and non-polar, with threonine, which is neutral and polar, at codon 327 of the SCAF4 protein (p.Met327Thr).